The following is an entry in ClinVar:

ClinVar aggregate classification (germline): Uncertain significance. Review status: criteria provided, multiple submitters, no conflicts (2 of 4 stars). 3 submissions from 3 submitters: Uncertain significance (3). Last evaluated 2025-08-23.

Conditions:
Developmental delay with autism spectrum disorder and gait instability (MRT38). Also called: Intellectual developmental disorder, autosomal recessive 38. Identifiers: Orphanet 329195, MedGen C3809753, MONDO:0014224, OMIM 615516.

Allele frequency attached by ClinVar (database versions not stated): gnomAD exomes 0.00009 and 0.00025; ExAC 0.00036; 1000 Genomes Project 0.00080; 1000 Genomes Project 30x 0.00094; gnomAD 0.00095 and 0.00101; TOPMed 0.00102.
gnomAD v4.1: 261 of 1,455,396 alleles (0.018%); highest among the groups gnomAD compares: African/African-American, 0.33%; no homozygotes.

Submissions (3):

GeneDx
Classification: Uncertain significance. Last evaluated: 2025-08-23. Review status: criteria provided, single submitter. Criteria: GeneDx Variant Classification Process June 2021. Collection method: clinical testing. Allele origin: germline. Affected: yes.
Comment: In silico analysis supports that this missense variant has a deleterious effect on protein structure/function; Has not been previously published as pathogenic or benign to our knowledge

Baylor Genetics
Classification: Uncertain significance for Developmental delay with autism spectrum disorder and gait instability. Last evaluated: 2018-01-08. Review status: criteria provided, single submitter. Criteria: ACMG Guidelines, 2015. Collection method: clinical testing. Allele origin: maternal. Affected: yes.
Comment: This variant was determined to be of uncertain significance according to ACMG Guidelines, 2015 [PMID:25741868].

Breakthrough Genomics
Classification: Uncertain significance. Review status: criteria provided, single submitter. Criteria: ACMG Guidelines, 2015. Collection method: not provided. Allele origin: germline. Inheritance: Autosomal recessive inheritance. Affected: yes.

NM_004667.6(HERC2):c.8179G>C (p.Asp2727His)

Gene: HERC2 (HECT and RLD domain containing E3 ubiquitin protein ligase 2; minus strand). Cytogenetic location: 15q13.1.
Variant type: single nucleotide variant.
Coding change: c.8179G>C on transcript NM_004667.6 (MANE Select); coding-DNA position 8179, G replaced by C.
Protein change: p.Asp2727His; replaces aspartic acid 2727 with histidine.
Molecular consequence: missense variant.
Genome position (GRCh38, 1-based): chr15:28,196,296, C>G on the plus strand (G>C on the coding strand, the complement: HERC2 is on the minus strand). VCF-style: chr15-28196296-C-G. GRCh37 (hg19) VCF-style: chr15-28441442-C-G.
Other names: short protein forms D2727H.
Identifiers: ClinVar variation 1032255 (VCV001032255.7), dbSNP rs140671115, ClinGen allele CA7441545.
Genomic context (GRCh38, chr15:28,196,296, plus strand): 5'-ATGTATGCCTGGTATTGTGTTTTTTGGTCTTGAAACACGTTTCACAAAAATCAAAGTCAT[C>G]ACAGTTTCTGCATTTGAATCTGGATCCATTGATAGGAAACATCTGACATCCATCACACCT-3'
Protein context (NP_004658.3, residues 2717-2737): NGSRFKCRNC[Asp2727His]DFDFCETCFK